The following is an entry in ClinVar:

ClinVar aggregate classification (germline): Uncertain significance (1 of 4 stars; one submission).

Submission:

GeneDx
Classification: Uncertain significance. Last evaluated: 2024-09-24. Review status: criteria provided, single submitter. Criteria: GeneDx Variant Classification Process June 2021. Collection method: clinical testing. Allele origin: germline. Affected: yes.
Comment: Not observed at significant frequency in large population cohorts (gnomAD); In silico analysis supports that this missense variant has a deleterious effect on protein structure/function; Has not been previously published as pathogenic or benign to our knowledge

NM_000307.5(POU3F4):c.835C>A (p.Arg279Ser)

Gene: POU3F4 (POU class 3 homeobox 4; plus strand). Cytogenetic location: Xq21.1.
Variant type: single nucleotide variant.
Coding change: c.835C>A on transcript NM_000307.5 (MANE Select); coding-DNA position 835, C replaced by A.
Protein change: p.Arg279Ser; replaces arginine 279 with serine.
Molecular consequence: missense variant.
Genome position (GRCh38, 1-based): chrX:83,509,159, C>A. VCF-style: chrX-83509159-C-A. GRCh37 (hg19) VCF-style: chrX-82764167-C-A.
Other names: short protein forms R279S.
Identifiers: ClinVar variation 3774039 (VCV003774039.1).